The following is an entry in ClinVar:

NM_000255.4(MMUT):c.128G>A (p.Trp43Ter)

Gene: MMUT (methylmalonyl-CoA mutase; minus strand). Cytogenetic location: 6p12.3.
Variant type: single nucleotide variant.
Coding change: c.128G>A on transcript NM_000255.4 (MANE Select); coding-DNA position 128, G replaced by A.
Protein change: p.Trp43Ter; replaces tryptophan 43 with a stop codon.
Molecular consequence: nonsense.
Genome position (GRCh38, 1-based): chr6:49,459,339, C>T on the plus strand (G>A on the coding strand, the complement: MMUT is on the minus strand). VCF-style: chr6-49459339-C-T. GRCh37 (hg19) VCF-style: chr6-49427052-C-T.
Other names: short protein forms W43*.
Identifiers: ClinVar variation 1968415 (VCV001968415.5), dbSNP rs2481350851, ClinGen allele CA364405659.

ClinVar aggregate classification (germline): Pathogenic (1 of 4 stars; one submission).

Submission:

Labcorp Genetics (formerly Invitae), Labcorp
Classification: Pathogenic. Last evaluated: 2022-06-22. Review status: criteria provided, single submitter. Criteria: Invitae Variant Classification Sherloc (09022015). Collection method: clinical testing. Allele origin: germline.
Comment: For these reasons, this variant has been classified as Pathogenic. This premature translational stop signal has been observed in individual(s) with methylmalonic aciduria (PMID: 27233228, 32754920). This variant is not present in population databases (gnomAD no frequency). This sequence change creates a premature translational stop signal (p.Trp43*) in the MUT gene. It is expected to result in an absent or disrupted protein product. Loss-of-function variants in MUT are known to be pathogenic (PMID: 15781192).

Literature cited by the submitters: PubMed 27233228; PubMed 32754920; PubMed 15781192.